The following is an entry in ClinVar:

NM_000719.7(CACNA1C):c.4653C>G (p.Asn1551Lys)

Genes: CACNA1C (calcium voltage-gated channel subunit alpha1 C; plus strand), CACNA1C-AS2 (CACNA1C antisense RNA 2; minus strand). Cytogenetic location: 12p13.33.
Variant type: single nucleotide variant.
Coding change: c.4653C>G on transcript NM_000719.7 (MANE Select); coding-DNA position 4653, C replaced by G.
Protein change: p.Asn1551Lys; replaces asparagine 1551 with lysine.
Molecular consequence: missense variant. On other transcripts: non-coding transcript variant (1).
Genome position (GRCh38, 1-based): chr12:2,668,962, C>G. VCF-style: chr12-2668962-C-G. GRCh37 (hg19) VCF-style: chr12-2778128-C-G.
Other names: c.4653C>G, p.Asn1551Lys (NM_001129835.2, NM_001129840.2, NM_001129841.2 and 7 more transcripts); c.4704C>G, p.Asn1568Lys (NM_001129836.2); c.4620C>G, p.Asn1540Lys (NM_001129837.2, NM_001129838.2, NM_001129846.2 and 1 more transcripts); c.4614C>G, p.Asn1538Lys (NM_001129839.2); c.4644C>G, p.Asn1548Lys (NM_001129844.2); c.4797C>G, p.Asn1599Lys (NM_199460.4, NM_001129827.2); c.4719C>G, p.Asn1573Lys (NM_001129829.2); c.4737C>G, p.Asn1579Lys (NM_001129831.2); and 1 more; short protein forms N1548K, N1573K, N1579K, N1540K, N1571K, N1538K, N1551K, N1568K.
Identifiers: ClinVar variation 1345178 (VCV001345178.8), dbSNP rs2096394447, ClinGen allele CA383377128.
Genomic context (GRCh38, chr12:2,668,962, plus strand): 5'-CATCACCAGCTTTGCTTCTCTTCGCCTGCAGCGCCTGGTCTCCATGAACATGCCTCTGAA[C>G]AGCGACGGGACAGTCATGTTCAATGCCACCCTGTTTGCCCTGGTCAGGACGGCCCTGAGG-3'
Protein context (NP_000710.5, residues 1541-1561): KRLVSMNMPL[Asn1551Lys]SDGTVMFNAT

ClinVar aggregate classification (germline): Uncertain significance (1 of 4 stars; one submission).

Conditions:
Long QT syndrome (LQTS). Identifiers: MedGen C0023976, MeSH D008133, MONDO:0002442. Disease mechanism: loss of function. Inheritance: Various modes of inheritance.

gnomAD v4.1: 3 of 1,614,078 alleles (0.00019%); highest among the groups gnomAD compares: Non-Finnish European, 0.000085%; no homozygotes.

Submission:

Labcorp Genetics (formerly Invitae), Labcorp
Classification: Uncertain significance for Long QT syndrome. Last evaluated: 2023-08-28. Review status: criteria provided, single submitter. Criteria: Invitae Variant Classification Sherloc (09022015). Collection method: clinical testing. Allele origin: germline.
Comment: This sequence change replaces asparagine, which is neutral and polar, with lysine, which is basic and polar, at codon 1551 of the CACNA1C protein (p.Asn1551Lys). This variant is not present in population databases (gnomAD no frequency). This variant has not been reported in the literature in individuals affected with CACNA1C-related conditions. ClinVar contains an entry for this variant (Variation ID: 1345178). Advanced modeling of protein sequence and biophysical properties (such as structural, functional, and spatial information, amino acid conservation, physicochemical variation, residue mobility, and thermodynamic stability) performed at Invitae indicates that this missense variant is expected to disrupt CACNA1C protein function. In summary, the available evidence is currently insufficient to determine the role of this variant in disease. Therefore, it has been classified as a Variant of Uncertain Significance.